The following is an entry in ClinVar:

NM_001142800.2(EYS):c.2311G>C (p.Glu771Gln)

Gene: EYS (EGF-like photoreceptor maintenance factor; minus strand). Cytogenetic location: 6q12.
Variant type: single nucleotide variant.
Coding change: c.2311G>C on transcript NM_001142800.2 (MANE Select); coding-DNA position 2311, G replaced by C.
Protein change: p.Glu771Gln; replaces glutamic acid 771 with glutamine.
Molecular consequence: missense variant.
Genome position (GRCh38, 1-based): chr6:64,945,863, C>G on the plus strand (G>C on the coding strand, the complement: EYS is on the minus strand). VCF-style: chr6-64945863-C-G. GRCh37 (hg19) VCF-style: chr6-65655756-C-G.
Other names: c.2311G>C, p.Glu771Gln (NM_001292009.2); short protein forms E771Q.
Identifiers: ClinVar variation 1714892 (VCV001714892.5), dbSNP rs760375583, ClinGen allele CA364788174.
Genomic context (GRCh38, chr6:64,945,863, plus strand): 5'-TGTAAAGGTCAGTACAGGTGGAATTGTTCTTGCAAGGATTCATTTTACACTCATTGGATT[C>G]TTGTTCACAAAAATTTCCTTCCCAATCAGATAGGCACACACACTGGTAGCTCTAAGAGAA-3'
Protein context (NP_001136272.1, residues 761-781): SDWEGNFCEQ[Glu771Gln]SNECKMNPCK

ClinVar aggregate classification (germline): Uncertain significance (1 of 4 stars; one submission).

Submission:

Labcorp Genetics (formerly Invitae), Labcorp
Classification: Uncertain significance. Last evaluated: 2023-02-18. Review status: criteria provided, single submitter. Criteria: Invitae Variant Classification Sherloc (09022015). Collection method: clinical testing. Allele origin: germline.
Comment: This variant has not been reported in the literature in individuals affected with EYS-related conditions. ClinVar contains an entry for this variant (Variation ID: 1714892). Advanced modeling of protein sequence and biophysical properties (such as structural, functional, and spatial information, amino acid conservation, physicochemical variation, residue mobility, and thermodynamic stability) has been performed at Invitae for this missense variant, however the output from this modeling did not meet the statistical confidence thresholds required to predict the impact of this variant on EYS protein function. In summary, the available evidence is currently insufficient to determine the role of this variant in disease. Therefore, it has been classified as a Variant of Uncertain Significance. This sequence change replaces glutamic acid, which is acidic and polar, with glutamine, which is neutral and polar, at codon 771 of the EYS protein (p.Glu771Gln). This variant is not present in population databases (gnomAD no frequency).